The following is an entry in ClinVar:

NM_006348.5(COG5):c.361A>C (p.Ile121Leu)

Gene: COG5 (component of oligomeric golgi complex 5; minus strand). Cytogenetic location: 7q22.3.
Variant type: single nucleotide variant.
Coding change: c.361A>C on transcript NM_006348.5 (MANE Select); coding-DNA position 361, A replaced by C.
Protein change: p.Ile121Leu; replaces isoleucine 121 with leucine.
Molecular consequence: missense variant. On other transcripts: intron variant (1).
Genome position (GRCh38, 1-based): chr7:107,548,167, T>G on the plus strand (A>C on the coding strand, the complement: COG5 is on the minus strand). VCF-style: chr7-107548167-T-G. GRCh37 (hg19) VCF-style: chr7-107188612-T-G.
Other names: c.454A>C (NM_006348.3); c.361A>C, p.Ile121Leu (NM_001161520.2, NM_001379511.1, NM_001379512.1 and 4 more transcripts); c.234+9809A>C (NM_001379516.1); short protein forms I121L.
Identifiers: ClinVar variation 1049086 (VCV001049086.4), dbSNP rs138976539, ClinGen allele CA4431419.

ClinVar aggregate classification (germline): Uncertain significance. Review status: criteria provided, multiple submitters, no conflicts (2 of 4 stars). 3 submissions from 3 submitters: Uncertain significance (2). 1 of the submissions does not count toward it. Last evaluated 2025-03-11.

Conditions:
COG5-congenital disorder of glycosylation. Also called: CDG IIi; COG5-CDG; CONGENITAL DISORDER OF GLYCOSYLATION, TYPE IIi. Identifiers: Orphanet 263487, MedGen C3150876, MONDO:0013325, OMIM 613612.

Allele frequency attached by ClinVar (database versions not stated): 1000 Genomes Project 0.00020; ESP Exome Variant Server 0.00038; gnomAD exomes 0.00011; 1000 Genomes Project 30x 0.00016; gnomAD 0.00038 and 0.00042; ExAC 0.00016; TOPMed 0.00037.
gnomAD v4.1: 106 of 1,613,866 alleles (0.0066%); highest among the groups gnomAD compares: African/African-American, 0.12%; no homozygotes.

Submissions (3):

Greenwood Genetic Center Diagnostic Laboratories, Greenwood Genetic Center
Classification: Uncertain significance. Last evaluated: 2025-03-11. Review status: criteria provided, single submitter. Criteria: ACMG Guidelines, 2015. Collection method: clinical testing. Allele origin: germline.
Comment: BP4

Labcorp Genetics (formerly Invitae), Labcorp
Classification: Uncertain significance for COG5-congenital disorder of glycosylation. Last evaluated: 2022-07-01. Review status: criteria provided, single submitter. Criteria: Invitae Variant Classification Sherloc (09022015). Collection method: clinical testing. Allele origin: germline.
Comment: This sequence change replaces isoleucine, which is neutral and non-polar, with leucine, which is neutral and non-polar, at codon 152 of the COG5 protein (p.Ile152Leu). This variant is present in population databases (rs138976539, gnomAD 0.2%). This variant has not been reported in the literature in individuals affected with COG5-related conditions. ClinVar contains an entry for this variant (Variation ID: 1049086). Algorithms developed to predict the effect of missense changes on protein structure and function (SIFT, PolyPhen-2, Align-GVGD) all suggest that this variant is likely to be tolerated. In summary, the available evidence is currently insufficient to determine the role of this variant in disease. Therefore, it has been classified as a Variant of Uncertain Significance.

Department of Pathology and Laboratory Medicine, Sinai Health System
Classification: Uncertain significance. Review status: no assertion criteria provided. Collection method: clinical testing. Allele origin: unknown. Affected: yes. Study: The Canadian Open Genetics Repository (COGR). Not counted in ClinVar's aggregate classification.
Comment: The COG5 p.I152L variant was not identified in the literature nor was it identified in ClinVar. The variant was identified in dbSNP (ID: rs138976539) and in control databases in 41 of 282770 chromosomes at a frequency of 0.0001450, and was observed at the highest frequency in the African population in 37 of 24964 chromosomes (freq: 0.001482) (Genome Aggregation Database March 6, 2019, v2.1.1). The p.I152 residue is not conserved in mammals and computational analyses (MUT Assesor, PolyPhen-2, SIFT, MutationTaster, Revel, FATHMM, MetaLR, DANN) provide inconsistent predictions regarding the impact to the protein; this information is not very predictive of pathogenicity. The variant occurs outside of the splicing consensus sequence and in silico or computational prediction software programs (Splice AI exome) do not predict a difference in splicing. In summary, based on the above information the clinical significance of this variant cannot be determined with certainty at this time. This variant is classified as a variant of uncertain significance.